The following is an entry in ClinVar:

NM_019032.6(ADAMTSL4):c.2896C>T (p.Gln966Ter)

Gene: ADAMTSL4 (ADAMTS like 4; plus strand). Cytogenetic location: 1q21.2.
Variant type: single nucleotide variant.
Coding change: c.2896C>T on transcript NM_019032.6 (MANE Select); coding-DNA position 2896, C replaced by T.
Protein change: p.Gln966Ter; replaces glutamine 966 with a stop codon.
Molecular consequence: nonsense.
Genome position (GRCh38, 1-based): chr1:150,559,419, C>T. VCF-style: chr1-150559419-C-T. GRCh37 (hg19) VCF-style: chr1-150531895-C-T.
Other names: c.2779C>T, p.Gln927Ter (NM_001288607.2); c.2965C>T, p.Gln989Ter (NM_001288608.2); c.2896C>T, p.Gln966Ter (NM_001378596.1); short protein forms Q966*, Q927*, Q989*.
Identifiers: ClinVar variation 4692527 (VCV004692527.1).
Genomic context (GRCh38, chr1:150,559,419, plus strand): 5'-AACGTGACTTCTCCGAGCAACTGTTCTCACCTCCCCAGGCCCCCTGCCCTGCAGCCCTGT[C>T]AAGGGCAGGCCTGCCAGGACCGATGGTTTTCCACGCCCTGGAGCCCAGTGAGTGTCTGGC-3'

ClinVar aggregate classification (germline): Pathogenic (1 of 4 stars; one submission).

Submission:

Labcorp Genetics (formerly Invitae), Labcorp
Classification: Pathogenic. Last evaluated: 2025-10-31. Review status: criteria provided, single submitter. Criteria: Invitae Variant Classification Sherloc (09022015). Collection method: clinical testing. Allele origin: germline.
Comment: This sequence change creates a premature translational stop signal (p.Gln966*) in the ADAMTSL4 gene. It is expected to result in an absent or disrupted protein product. Loss-of-function variants in ADAMTSL4 are known to be pathogenic (PMID: 20564469, 28642162). This variant is not present in population databases (gnomAD no frequency). This variant has not been reported in the literature in individuals affected with ADAMTSL4-related conditions. For these reasons, this variant has been classified as Pathogenic.

Literature cited by the submitters: PubMed 20564469; PubMed 28642162.